The following is an entry in ClinVar:

NM_138694.4(PKHD1):c.8225G>A (p.Trp2742Ter)

Gene: PKHD1 (PKHD1 ciliary IPT domain containing fibrocystin/polyductin; minus strand). Cytogenetic location: 6p12.2.
Variant type: single nucleotide variant.
Coding change: c.8225G>A on transcript NM_138694.4 (MANE Select); coding-DNA position 8225, G replaced by A.
Protein change: p.Trp2742Ter; replaces tryptophan 2742 with a stop codon.
Molecular consequence: nonsense.
Genome position (GRCh38, 1-based): chr6:51,830,938, C>T on the plus strand (G>A on the coding strand, the complement: PKHD1 is on the minus strand). VCF-style: chr6-51830938-C-T. GRCh37 (hg19) VCF-style: chr6-51695736-C-T.
Other names: c.8225G>A, p.Trp2742Ter (NM_170724.3); short protein forms W2742*.
Identifiers: ClinVar variation 4816763 (VCV004816763.1).

ClinVar aggregate classification (germline): Likely pathogenic (1 of 4 stars; one submission).

Conditions:
Autosomal recessive polycystic kidney disease (ARPKD). Also called: AR polycystic kidney disease. Identifiers: Orphanet 731, Orphanet 8378, MedGen C0085548, MeSH D017044, MONDO:0009889.

Submission:

Natera, Inc.
Classification: Likely pathogenic for Autosomal recessive polycystic kidney disease. Last evaluated: 2025-10-22. Review status: criteria provided, single submitter. Criteria: Natera Variant Classification Schema (03/2026). Collection method: clinical testing. Allele origin: germline.
Comment: The c.8225G>A variant in PKHD1 is a nonsense variant predicted to introduce a stop codon at amino acid 2742. This variant is expected to result in nonsense mediated decay, truncation, or a dysfunctional protein product. This variant is rare in the general population with a frequency below the threshold expected for the associated phenotype(s). Given the available evidence, this variant is classified as Likely Pathogenic.